The following is an entry in ClinVar:

ClinVar aggregate classification (germline): Uncertain significance. Review status: criteria provided, multiple submitters, no conflicts (2 of 4 stars). 2 submissions from 2 submitters: Uncertain significance (2). Last evaluated 2024-03-07.

Conditions:
Bartter disease type 4B. Also called: BARTTER SYNDROME, TYPE 4B, NEONATAL, WITH SENSORINEURAL DEAFNESS; Bartter syndrome, type 4b, digenic; BARTTER SYNDROME, TYPE 4B. Identifiers: Orphanet 112, MedGen C4310805, MONDO:0000909, OMIM 613090.
Bartter disease type 3. Also called: Bartter syndrome type 3. Identifiers: Orphanet 112, Orphanet 93605, MedGen C1846343, MONDO:0011822, OMIM 607364.

Submissions (2):

Fulgent Genetics
Classification: Uncertain significance for Bartter disease type 3; Bartter disease type 4B. Last evaluated: 2024-03-07. Review status: criteria provided, single submitter. Criteria: ACMG Guidelines, 2015. Collection method: clinical testing. Allele origin: germline.

GeneDx
Classification: Uncertain significance. Last evaluated: 2023-07-26. Review status: criteria provided, single submitter. Criteria: GeneDx Variant Classification Process June 2021. Collection method: clinical testing. Allele origin: germline. Affected: yes.
Comment: Not observed at significant frequency in large population cohorts (gnomAD); In silico analysis supports that this missense variant does not alter protein structure/function; Has not been previously published as pathogenic or benign to our knowledge

NM_000085.5(CLCNKB):c.1904T>C (p.Leu635Pro)

Genes: CLCNKB (chloride voltage-gated channel Kb; plus strand), LOC106501713 (CLCNKB recombination region; plus strand). Cytogenetic location: 1p36.13.
Variant type: single nucleotide variant.
Coding change: c.1904T>C on transcript NM_000085.5 (MANE Select); coding-DNA position 1904, T replaced by C.
Protein change: p.Leu635Pro; replaces leucine 635 with proline.
Molecular consequence: missense variant.
Genome position (GRCh38, 1-based): chr1:16,055,733, T>C. VCF-style: chr1-16055733-T-C. GRCh37 (hg19) VCF-style: chr1-16382228-T-C.
Other names: c.1394T>C, p.Leu465Pro (NM_001165945.2); short protein forms L465P, L635P.
Identifiers: ClinVar variation 3361359 (VCV003361359.2).